The following is an entry in ClinVar:

NM_020163.3(SEMA3G):c.960G>A (p.Gly320=)

Gene: SEMA3G (semaphorin 3G; minus strand). Cytogenetic location: 3p21.1.
Variant type: single nucleotide variant.
Coding change: c.960G>A on transcript NM_020163.3 (MANE Select); coding-DNA position 960, G replaced by A.
Protein change: p.Gly320=; no amino-acid change (glycine 320 retained).
Molecular consequence: synonymous variant.
Genome position (GRCh38, 1-based): chr3:52,440,792, C>T on the plus strand (G>A on the coding strand, the complement: SEMA3G is on the minus strand). VCF-style: chr3-52440792-C-T. GRCh37 (hg19) VCF-style: chr3-52474808-C-T.
Identifiers: ClinVar variation 4985472 (VCV004985472.1).

ClinVar aggregate classification (germline): Likely benign (1 of 4 stars; one submission).

Conditions:
SEMA3G-related disorder. Also called: SEMA3G-related condition.

gnomAD v4.1: 1 of 1,613,040 alleles (0.000062%); highest among the groups gnomAD compares: Non-Finnish European, 0.000085%; no homozygotes.

Submission:

PreventionGenetics, part of Exact Sciences
Classification: Likely benign for SEMA3G-related condition. Last evaluated: 2025-04-02. Review status: criteria provided, single submitter. Criteria: ACMG Guidelines, 2015. Collection method: clinical testing. Allele origin: germline.
Comment: This variant is classified as likely benign based on ACMG/AMP sequence variant interpretation guidelines (Richards et al. 2015 PMID: 25741868, with internal and published modifications).